The following is an entry in ClinVar:

ClinVar aggregate classification (germline): Pathogenic. Review status: criteria provided, multiple submitters, no conflicts (2 of 4 stars). 12 submissions from 12 submitters: Pathogenic (11). 1 of the submissions does not count toward it. Last evaluated 2025-08-18.

Conditions:
DNAH5-related disorder. Also called: DNAH5-related condition.
Primary ciliary dyskinesia. Also called: Ciliary dyskinesia. Identifiers: Orphanet 244, MedGen C0008780, MONDO:0016575, HP:0012265.
DNAH5-related disorders.
Primary ciliary dyskinesia 3. Identifiers: Orphanet 244, MedGen C1837618, MONDO:0012085, OMIM 608644.

Allele frequency attached by ClinVar (database versions not stated): gnomAD 0.00001; ExAC 0.00004; TOPMed 0.00001; gnomAD exomes 0.00002.

Submissions (12):

Labcorp Genetics (formerly Invitae), Labcorp
Classification: Pathogenic for Primary ciliary dyskinesia. Last evaluated: 2025-08-18. Review status: criteria provided, single submitter. Criteria: Invitae Variant Classification Sherloc (09022015). Collection method: clinical testing. Allele origin: germline.
Comment: This sequence change creates a premature translational stop signal (p.Glu2814*) in the DNAH5 gene. It is expected to result in an absent or disrupted protein product. Loss-of-function variants in DNAH5 are known to be pathogenic (PMID: 11788826, 16627867). This variant is present in population databases (rs755136231, gnomAD 0.006%). This premature translational stop signal has been observed in individual(s) with primary ciliary dyskinesia (PMID: 11788826, 16627867, 22416021, 25186273). This variant is also known as p.Glu2814fs*1. ClinVar contains an entry for this variant (Variation ID: 454808). For these reasons, this variant has been classified as Pathogenic.

CeGaT Center for Human Genetics Tuebingen
Classification: Pathogenic. Last evaluated: 2025-06-01. Review status: criteria provided, single submitter. Criteria: CeGaT Center For Human Genetics Tuebingen Variant Classification Criteria Version 2. Collection method: clinical testing. Allele origin: germline. Affected: yes. Observed: 1 variant allele.
Comment: DNAH5: PVS1, PM2

Natera, Inc.
Classification: Pathogenic for Primary ciliary dyskinesia. Last evaluated: 2024-12-10. Review status: criteria provided, single submitter. Criteria: Natera Variant Classification Schema (03/2026). Collection method: clinical testing. Allele origin: germline.
Comment: The c.8440_8447delGAACCAAA variant in DNAH5 is a frameshift variant predicted to shift the reading frame and introduce a stop codon. This variant is expected to result in nonsense mediated decay, truncation, or a dysfunctional protein product. This variant is rare in the general population with a frequency below the threshold expected for the associated phenotype(s). This variant has been observed in one or more individuals affected with the associated recessive disease, as either homozygous or compound heterozygous with a second variant (PMID: 11788826, 25186273). Given the available evidence, this variant is classified as Pathogenic.

Blueprint Genetics
Classification: Pathogenic for DNAH5-related disorders. Last evaluated: 2024-05-23. Review status: criteria provided, single submitter. Criteria: ACMG Guidelines, 2015. Collection method: clinical testing. Allele origin: germline. Affected: yes. Observed: 5 variant alleles.

Institute Of Molecular Biology And Genetics, Federal Almazov National Medical Research Centre
Classification: Pathogenic for Primary ciliary dyskinesia. Last evaluated: 2023-12-11. Review status: criteria provided, single submitter. Criteria: ACMG Guidelines, 2015. Collection method: clinical testing. Allele origin: paternal. Affected: yes. Observed: 1 variant allele.
Comment: ACMG: PVS1, PM2, PM3, PP5

Department of Human Genetics, Hannover Medical School
Classification: Pathogenic for Primary ciliary dyskinesia 3. Last evaluated: 2022-11-02. Review status: criteria provided, single submitter. Criteria: ACMG Guidelines, 2015. Collection method: clinical testing. Allele origin: germline. Inheritance: Autosomal recessive inheritance. Affected: yes.

Institute for Clinical Genetics, University Hospital TU Dresden, University Hospital TU Dresden
Classification: Pathogenic. Last evaluated: 2022-08-29. Review status: criteria provided, single submitter. Criteria: ACMG Guidelines, 2015. Collection method: clinical testing. Allele origin: germline.
Comment: PVS1, PP4, PM2_SUP

Ambry Genetics
Classification: Pathogenic for Primary ciliary dyskinesia. Last evaluated: 2022-01-13. Review status: criteria provided, single submitter. Criteria: Ambry Variant Classification Scheme 2023. Collection method: clinical testing. Allele origin: germline.
Comment: The c.8440_8447delGAACCAAA pathogenic mutation, located in coding exon 50 of the DNAH5 gene, results from a deletion of 8 nucleotides at nucleotide positions 8440 to 8447, causing a translational frameshift with a predicted alternate stop codon (p.E2814*). This mutation, also referred to as 2814fsX1, was described as homozygous in an individual whose respiratory cilia showed absence of outer dynein arms under electron microscopy analysis (Olbrich H et al, Nat. Genet. 2002 Feb; 30(2):143-4). Subsequent immunofluorescent studies of this individual's respiratory epithelial cells suggested that this alteration lead to protein mislocalization (Fliegauf M et al, Am. J. Respir. Crit. Care Med. 2005 Jun; 171(12):1343-9). This alteration was also identified in trans with a pathogenic DNAH5 mutation (p.R3539H) in an individual with a similar absence of outer dynein arms (Djakow J et al. Pediatr Pulmonol, 2012 Sep;47:864-75). Additionally, this variant was detected in an individual who had another frameshift mutation (c.10815delT) and showed abnormal ciliary beat patterns (Raidt J et al, Eur. Respir. J. 2014 Dec; 44(6):1579-88), as well as in an individual with inner dynein arm and outer dynein arm defects who had a DNAH5 nonsense mutation (p.R2677*) along with the c.8440_8447delGAACCAAA mutation (Djakow J et al. Pediatr Pulmonol, 2016 May;51:498-509). This variant is considered to be rare based on population cohorts in the Genome Aggregation Database (gnomAD). In addition to the clinical data presented in the literature, this alteration is expected to result in loss of function by premature protein truncation or nonsense-mediated mRNA decay. As such, this alteration is interpreted as a disease-causing mutation.

Fulgent Genetics
Classification: Pathogenic for Primary ciliary dyskinesia 3. Last evaluated: 2021-11-02. Review status: criteria provided, single submitter. Criteria: ACMG Guidelines, 2015. Collection method: clinical testing. Allele origin: unknown.

UNC Molecular Genetics  Laboratory, University of North Carolina at Chapel Hill
Classification: Pathogenic for Primary ciliary dyskinesia. Last evaluated: 2019-03-13. Review status: criteria provided, single submitter. Criteria: ACMG Guidelines, 2015. Collection method: clinical testing. Allele origin: germline. Observed: 1 compound heterozygote.

Illumina Laboratory Services, Illumina
Classification: Pathogenic for Primary ciliary dyskinesia 3. Last evaluated: 2018-03-05. Review status: criteria provided, single submitter. Criteria: ICSL Variant Classification Criteria 09 May 2019. Collection method: clinical testing. Allele origin: germline.
Comment: The DNAH5 c.8440_8447delGAACCAAA (p.Glu2814Ter) frameshift variant has been reported in five individuals with primary ciliary dyskinesia, including in one who carried the variant in a homozygous state, in three who carried the variant in a compound heterozygous state, and in one who carried the variant in a heterozygous state where a second variant was not identified, and also in a heterozygous state in an unaffected parent of a patient (Olbrich et al. 2002; Hornef et al, 2006; Djakow et al. 2012; Raidt et al. 2014; Djakow et al. 2016). Control data are unavailable for this variant, which is reported at a frequency of 0.000063 in the European (non-Finnish) population from the Genome Aggregation Database. In respiratory epithelial cilia from an individual homozygous for the p.Glu2814Ter variant, expression of DNAH5 was observed at the ciliary base and the cilia were immotile, whereas expression of DNAH5 in controls was observed along the entire length of the axoneme (Fliegauf et al. 2005). Based on the evidence and due to the potential impact of frameshift variants, the p.Glu2814Ter variant is classified as pathogenic for primary ciliary dyskinesia. This variant was observed by ICSL as part of a predisposition screen in an ostensibly healthy population.

PreventionGenetics, part of Exact Sciences
Classification: Pathogenic for DNAH5-related condition. Last evaluated: 2024-05-03. Review status: no assertion criteria provided. Collection method: clinical testing. Allele origin: germline. Not counted in ClinVar's aggregate classification.
Comment: The DNAH5 c.8440_8447del8 variant is predicted to result in premature protein termination (p.Glu2814*). This variant has been reported in the homozygous and compound heterozygous state in multiple individuals with primary ciliary dyskinesia (Olbrich et al. 2002. PubMed ID: 11788826; Table E2, Similuk et al. 2022. PubMed ID: 35753512; Raidt et al. 2014. PubMed ID: 25186273; Djakow et al. 2012. PubMed ID: 22416021). This variant is reported in 0.0044% of alleles in individuals of European (Non-Finnish) descent in gnomAD. Frameshift variants in DNAH5 are expected to be pathogenic. This variant is interpreted as pathogenic.

Literature cited by the submitters: PubMed 11788826 (cited by 6 submitters); PubMed 16627867 (cited by 4 submitters); PubMed 22416021 (cited by 4 submitters); PubMed 25186273 (cited by 5 submitters); PubMed 26228299 (cited by 3 submitters); PubMed 15750039 (cited by 3 submitters).

NM_001369.3(DNAH5):c.8440_8447del (p.Lys2813_Glu2814insTer)

Gene: DNAH5 (dynein axonemal heavy chain 5; minus strand). Cytogenetic location: 5p15.2.
Variant type: Deletion.
Coding change: c.8440_8447del on transcript NM_001369.3 (MANE Select); coding-DNA positions 8440 to 8447, 8 bases deleted (GAACCAAA; older notation c.8440_8447delGAACCAAA).
Protein change: p.Lys2813_Glu2814insTer.
Molecular consequence: nonsense.
Genome position (GRCh38, 1-based): chr5:13,791,995-13,792,002, TTTGGTTC deleted on the plus strand (GAACCAAA on the coding strand, the reverse complement: DNAH5 is on the minus strand). VCF-style (leftmost placement, unchanged base first): chr5-13791994-ATTTGGTTC-A. GRCh37 (hg19) VCF-style: chr5-13792103-ATTTGGTTC-A.
Other names: c.8440_8447delGAACCAAA (NM_001369.2); c.8440_8447del8 (NM_001369.2).
Identifiers: ClinVar variation 454808 (VCV000454808.39), dbSNP rs755136231, ClinGen allele CA3202825.
Genomic context (GRCh38, chr5:13,791,994, plus strand): 5'-TATTTAGAATATATCATTAATAGCAATGTTATTTGTTTTTCTTTCTTCAGTGTCACTTAC[ATTTGGTTC>A]CTTGATGACCTCTGAAGTAGTGTTCAGCATTCCCTGCCAGACCCGAGAAAGATCTCGTAG-3'